The following is an entry in ClinVar:

NM_020937.4(FANCM):c.2257G>C (p.Asp753His)

Gene: FANCM (FA complementation group M; plus strand). Cytogenetic location: 14q21.2.
Variant type: single nucleotide variant.
Coding change: c.2257G>C on transcript NM_020937.4 (MANE Select); coding-DNA position 2257, G replaced by C.
Protein change: p.Asp753His; replaces aspartic acid 753 with histidine.
Molecular consequence: missense variant.
Genome position (GRCh38, 1-based): chr14:45,173,151, G>C. VCF-style: chr14-45173151-G-C. GRCh37 (hg19) VCF-style: chr14-45642354-G-C.
Other names: c.2179G>C, p.Asp727His (NM_001308133.2); short protein forms D727H, D753H.
Identifiers: ClinVar variation 4871103 (VCV004871103.1).

ClinVar aggregate classification (germline): Uncertain significance (1 of 4 stars; one submission).

Conditions:
Inborn genetic diseases. Identifiers: MedGen C0950123, MeSH D030342.

Submission:

Ambry Genetics
Classification: Uncertain significance for Inborn genetic diseases. Last evaluated: 2026-04-26. Review status: criteria provided, single submitter. Criteria: Ambry Variant Classification Scheme 2023. Collection method: clinical testing. Allele origin: germline.
Comment: The p.D753H variant (also known as c.2257G>C), located in coding exon 13 of the FANCM gene, results from a G to C substitution at nucleotide position 2257. The aspartic acid at codon 753 is replaced by histidine, an amino acid with similar properties. This amino acid position is conserved. In addition, this alteration is predicted to be tolerated by in silico analysis. Based on the available evidence, the clinical significance of this variant remains unclear.